The following is an entry in ClinVar:

ClinVar aggregate classification (germline): Pathogenic. Review status: criteria provided, single submitter (1 of 4 stars). 3 submissions from 2 submitters: Pathogenic (1). 2 of the submissions do not count toward it. Last evaluated 2021-09-17.

Conditions:
HEMOGLOBIN HYOGO.
HEMOGLOBIN GENOVA.
Hemoglobinopathy. Also called: Hemoglobin disorder; Haemoglobinopathies. Identifiers: MedGen C0019045, MONDO:0044348.

Submissions (3):

Women's Health and Genetics/Laboratory Corporation of America, LabCorp
Classification: Pathogenic for Hemoglobinopathy. Last evaluated: 2021-09-17. Review status: criteria provided, single submitter. Criteria: LabCorp Variant Classification Summary - May 2015. Collection method: clinical testing. Allele origin: germline.
Comment: Variant summary: HBB c.86T>C (p.Leu29Pro), known as Hemoglobin Genova, results in a non-conservative amino acid change located in the Globin domain (IPR000971) of the encoded protein sequence. Five of five in-silico tools predict a damaging effect of the variant on protein function. The variant was absent in 251340 control chromosomes. c.86T>C has been reported in the literature as an unstable hemoglobin characterized by Heinz bodies and hemolytic anemia in multiple affected individuals from diverse global ethnic backgrounds (example, Sansone_1967, Solal_1973, Martinez_1983, Hopmeier_1990, Kitazawa_2000, Badens_2005). Although most of the ascertained reports did not clearly indicate the exact zygosity of the variant identified in each proband, at-least one report of this variant in compound heterozygosity with a beta-0-thal variant in a case of early onset thalassemia major syndrome (beta-thal major phenotype) has been reported (Badens_2005). It continues to be subsequently cited by others in the field (example Wajcman_2008). These data indicate that the variant is very likely to be associated with disease. At least one publication reports experimental evidence evaluating an impact on protein function. The most pronounced variant effect results in increased oxygen affinity and an underlying instability (example Solal_1973). No clinical diagnostic laboratories have submitted clinical-significance assessments for this variant to ClinVar after 2014, although the OMIM database has submitted this variant without an interpretation and/or an assertion criteria. Based on the evidence outlined above, the variant was classified as pathogenic.

OMIM
Classification: other for HEMOGLOBIN GENOVA. Last evaluated: 1990-01-01. Review status: no assertion criteria provided. Collection method: literature only. Allele origin: germline. Not counted in ClinVar's aggregate classification.

OMIM
Classification: other for HEMOGLOBIN HYOGO. Last evaluated: 1990-01-01. Review status: no assertion criteria provided. Collection method: literature only. Allele origin: germline. Not counted in ClinVar's aggregate classification.

Literature cited by the submitters: PubMed 2105568 (cited by Women's Health and Genetics/Laboratory Corporation of America, LabCorp and OMIM); PubMed 1138885 (cited by Women's Health and Genetics/Laboratory Corporation of America, LabCorp); PubMed 4685078 (cited by Women's Health and Genetics/Laboratory Corporation of America, LabCorp); PubMed 6054966 (cited by Women's Health and Genetics/Laboratory Corporation of America, LabCorp and OMIM); PubMed 15653458 (cited by Women's Health and Genetics/Laboratory Corporation of America, LabCorp); PubMed 10804732 (cited by Women's Health and Genetics/Laboratory Corporation of America, LabCorp); PubMed 6668191 (cited by Women's Health and Genetics/Laboratory Corporation of America, LabCorp); PubMed 18654884 (cited by Women's Health and Genetics/Laboratory Corporation of America, LabCorp); PubMed 4264206 (cited by OMIM); PubMed 7353889 (cited by OMIM); PubMed 6998928 (cited by OMIM).

NM_000518.4(HBB):c.86T>C (p.Leu29Pro)

Genes: HBB (hemoglobin subunit beta; minus strand), LOC106099062 (HBB recombination region; plus strand), LOC107133510 (origin of replication at HBB; plus strand). Cytogenetic location: 11p15.4.
Variant type: single nucleotide variant.
Coding change: c.86T>C on transcript NM_000518.4; coding-DNA position 86, T replaced by C.
Protein change: p.Leu29Pro; replaces leucine 29 with proline.
Molecular consequence: missense variant (on NM_000518.5).
Genome position (GRCh38, 1-based): chr11:5,226,936, A>G on the plus strand (T>C on the coding strand, the complement: HBB is on the minus strand). VCF-style: chr11-5226936-A-G. GRCh37 (hg19) VCF-style: chr11-5248166-A-G.
Other names: L28P; c.86T>C, p.Leu29Pro (NM_000518.5); short protein forms L29P.
Identifiers: ClinVar variation 15183 (VCV000015183.4), dbSNP rs33916412, ClinGen allele CA124877.